The following is an entry in ClinVar:

ClinVar aggregate classification (germline): Uncertain significance. Review status: criteria provided, single submitter (1 of 4 stars). 2 submissions from 2 submitters: Uncertain significance (1). 1 of the submissions does not count toward it. Last evaluated 2022-06-27.

Conditions:
Severe X-linked myotubular myopathy (CNMX). Also called: MYOTUBULAR MYOPATHY 1; X-linked centronuclear myopathy; Myotubular myopathy, X-linked. Identifiers: Orphanet 596, MedGen C0410203, MONDO:0010683, OMIM 310400.

Allele frequency attached by ClinVar (database versions not stated): TOPMed below 0.00001.

Submissions (2):

Labcorp Genetics (formerly Invitae), Labcorp
Classification: Uncertain significance for Severe X-linked myotubular myopathy. Last evaluated: 2022-06-27. Review status: criteria provided, single submitter. Criteria: Invitae Variant Classification Sherloc (09022015). Collection method: clinical testing. Allele origin: germline.
Comment: This sequence change replaces serine, which is neutral and polar, with glycine, which is neutral and non-polar, at codon 147 of the MTM1 protein (p.Ser147Gly). This variant is not present in population databases (gnomAD no frequency). This variant has not been reported in the literature in individuals affected with MTM1-related conditions. ClinVar contains an entry for this variant (Variation ID: 841905). Advanced modeling of protein sequence and biophysical properties (such as structural, functional, and spatial information, amino acid conservation, physicochemical variation, residue mobility, and thermodynamic stability) performed at Invitae indicates that this missense variant is expected to disrupt MTM1 protein function. In summary, the available evidence is currently insufficient to determine the role of this variant in disease. Therefore, it has been classified as a Variant of Uncertain Significance.

Natera, Inc.
Classification: Uncertain significance for Severe X-linked myotubular myopathy. Last evaluated: 2021-04-13. Review status: no assertion criteria provided. Collection method: clinical testing. Allele origin: germline. Not counted in ClinVar's aggregate classification.

NM_000252.3(MTM1):c.439A>G (p.Ser147Gly)

Gene: MTM1 (myotubularin 1; plus strand). Cytogenetic location: Xq28.
Variant type: single nucleotide variant.
Coding change: c.439A>G on transcript NM_000252.3 (MANE Select); coding-DNA position 439, A replaced by G.
Protein change: p.Ser147Gly; replaces serine 147 with glycine.
Molecular consequence: missense variant.
Genome position (GRCh38, 1-based): chrX:150,619,134, A>G. VCF-style: chrX-150619134-A-G. GRCh37 (hg19) VCF-style: chrX-149787607-A-G.
Other names: c.439A>G, p.Ser147Gly (NM_001376906.1, NM_001376908.1); c.328A>G, p.Ser110Gly (NM_001376907.1); short protein forms S147G, S110G.
Identifiers: ClinVar variation 841905 (VCV000841905.11), dbSNP rs964287315, ClinGen allele CA337091208.